The following is an entry in ClinVar:

ClinVar aggregate classification (germline): Uncertain significance (1 of 4 stars; one submission).

Conditions:
Neutropenia, severe congenital, 1, autosomal dominant. Identifiers: MedGen C1859966, MONDO:0042490, OMIM 202700.
Cyclical neutropenia. Also called: Cyclic hematopoiesis; Cyclic Neutropenia. Identifiers: Orphanet 2686, MedGen C0221023, MONDO:0008090, OMIM 162800, HP:0040289. Disease mechanism: loss of function.

Submission:

Labcorp Genetics (formerly Invitae), Labcorp
Classification: Uncertain significance for Neutropenia, severe congenital, 1, autosomal dominant; Cyclical neutropenia. Last evaluated: 2025-09-29. Review status: criteria provided, single submitter. Criteria: Invitae Variant Classification Sherloc (09022015). Collection method: clinical testing. Allele origin: germline.
Comment: This sequence change affects a splice site in intron 2 of the ELANE gene. It is expected to disrupt RNA splicing. Variants that disrupt the donor or acceptor splice site typically lead to a loss of protein function (PMID: 16199547), however the current clinical and genetic evidence is not sufficient to establish whether loss-of-function variants in ELANE cause disease. This variant is not present in population databases (gnomAD no frequency). This variant has not been reported in the literature in individuals affected with ELANE-related conditions. In summary, the available evidence is currently insufficient to determine the role of this variant in disease. Therefore, it has been classified as a Variant of Uncertain Significance.

Literature cited by the submitters: PubMed 16199547.

NM_001972.4(ELANE):c.215_224+21del

Gene: ELANE (elastase, neutrophil expressed; plus strand). Cytogenetic location: 19p13.3.
Variant type: Deletion.
Coding change: c.215_224+21del on transcript NM_001972.4 (MANE Select); coding-DNA position 215 through 21 bases into the intron after coding-DNA position 224, 31 bases deleted.
Molecular consequence: splice donor variant.
Genome position (GRCh38, 1-based): chr19:853,023-853,053, 31 bases deleted; deleting any 31 consecutive bases within chr19:853,019-853,053 gives the same sequence; the c. name uses the placement nearest the transcript's 3' end. GRCh37 (hg19): chr19:853,023-853,053.
Identifiers: ClinVar variation 4786216 (VCV004786216.1).